The following is an entry in ClinVar:

NM_002528.7(NTHL1):c.449G>T (p.Gly150Val)

Gene: NTHL1 (nth like DNA glycosylase 1; minus strand). Cytogenetic location: 16p13.3.
Variant type: single nucleotide variant.
Coding change: c.449G>T on transcript NM_002528.7 (MANE Select); coding-DNA position 449, G replaced by T.
Protein change: p.Gly150Val; replaces glycine 150 with valine.
Molecular consequence: missense variant. On other transcripts: intron variant (1).
Genome position (GRCh38, 1-based): chr16:2,044,706, C>A on the plus strand (G>T on the coding strand, the complement: NTHL1 is on the minus strand). VCF-style: chr16-2044706-C-A. GRCh37 (hg19) VCF-style: chr16-2094707-C-A.
Other names: c.119G>T, p.Gly40Val (NM_001318194.2); c.355-980G>T (NM_001318193.2); short protein forms G150V, G40V.
Identifiers: ClinVar variation 947097 (VCV000947097.13), dbSNP rs1451809479, ClinGen allele CA394294296.
Genomic context (GRCh38, chr16:2,044,706, plus strand): 5'-GGGTAGATGAGCTTGCCCAGCGTGGCATCATCTGTCTGCAGGATGCTGTCCACCGTCAGG[C>A]CCCGCGCCCGCAGTCGCTGCATGGCGCCCGCCGTCACCTGGTCTTTGGTTTGGCTGGAGA-3'
Protein context (NP_002519.2, residues 140-160): AGAMQRLRAR[Gly150Val]LTVDSILQTD

ClinVar aggregate classification (germline): Uncertain significance. Review status: criteria provided, multiple submitters, no conflicts (2 of 4 stars). 2 submissions from 2 submitters: Uncertain significance (2). Last evaluated 2025-12-23.

Conditions:
Hereditary cancer-predisposing syndrome. Also called: Hereditary neoplastic syndrome; Neoplastic Syndromes, Hereditary; Tumor predisposition; Hereditary Cancer Syndrome. Identifiers: Orphanet 140162, MedGen C0027672, MeSH D009386, MONDO:0015356.

Submissions (2):

Labcorp Genetics (formerly Invitae), Labcorp
Classification: Uncertain significance. Last evaluated: 2025-12-23. Review status: criteria provided, single submitter. Criteria: Invitae Variant Classification Sherloc (09022015). Collection method: clinical testing. Allele origin: germline.
Comment: This sequence change replaces glycine, which is neutral and non-polar, with valine, which is neutral and non-polar, at codon 158 of the NTHL1 protein (p.Gly158Val). This variant is not present in population databases (gnomAD no frequency). This variant has not been reported in the literature in individuals affected with NTHL1-related conditions. ClinVar contains an entry for this variant (Variation ID: 947097). An algorithm developed to predict the effect of missense changes on protein structure and function (PolyPhen-2) suggests that this variant is likely to be disruptive. In summary, the available evidence is currently insufficient to determine the role of this variant in disease. Therefore, it has been classified as a Variant of Uncertain Significance.

Ambry Genetics
Classification: Uncertain significance for Hereditary cancer-predisposing syndrome. Last evaluated: 2025-08-07. Review status: criteria provided, single submitter. Criteria: Ambry Variant Classification Scheme 2023. Collection method: clinical testing. Allele origin: germline.
Comment: The p.G158V variant (also known as c.473G>T), located in coding exon 3 of the NTHL1 gene, results from a G to T substitution at nucleotide position 473. The glycine at codon 158 is replaced by valine, an amino acid with dissimilar properties. This amino acid position is conserved. In addition, this alteration is predicted to be deleterious by in silico analysis. Since supporting evidence is limited at this time, the clinical significance of this alteration remains unclear.